The following is an entry in ClinVar:

ClinVar aggregate classification (germline): Uncertain significance (1 of 4 stars; one submission).

Allele frequency attached by ClinVar (database versions not stated): ExAC 0.00001; gnomAD 0.00002; TOPMed 0.00002.

Submission:

Labcorp Genetics (formerly Invitae), Labcorp
Classification: Uncertain significance. Last evaluated: 2025-06-24. Review status: criteria provided, single submitter. Criteria: Invitae Variant Classification Sherloc (09022015). Collection method: clinical testing. Allele origin: germline.
Comment: This sequence change replaces proline, which is neutral and non-polar, with leucine, which is neutral and non-polar, at codon 303 of the COL9A3 protein (p.Pro303Leu). This variant is present in population databases (rs755765044, gnomAD 0.006%). This variant has not been reported in the literature in individuals affected with COL9A3-related conditions. ClinVar contains an entry for this variant (Variation ID: 1979242). Invitae Evidence Modeling of protein sequence and biophysical properties (such as structural, functional, and spatial information, amino acid conservation, physicochemical variation, residue mobility, and thermodynamic stability) indicates that this missense variant is not expected to disrupt COL9A3 protein function with a negative predictive value of 95%. In summary, the available evidence is currently insufficient to determine the role of this variant in disease. Therefore, it has been classified as a Variant of Uncertain Significance.

NM_001853.4(COL9A3):c.908C>T (p.Pro303Leu)

Gene: COL9A3 (collagen type IX alpha 3 chain; plus strand). Cytogenetic location: 20q13.33.
Variant type: single nucleotide variant.
Coding change: c.908C>T on transcript NM_001853.4 (MANE Select); coding-DNA position 908, C replaced by T.
Protein change: p.Pro303Leu; replaces proline 303 with leucine.
Molecular consequence: missense variant.
Genome position (GRCh38, 1-based): chr20:62,828,771, C>T. VCF-style: chr20-62828771-C-T. GRCh37 (hg19) VCF-style: chr20-61460123-C-T.
Other names: short protein forms P303L.
Identifiers: ClinVar variation 1979242 (VCV001979242.4), dbSNP rs755765044, ClinGen allele CA9949608.